The following is an entry in ClinVar:

ClinVar aggregate classification (germline): Pathogenic. Review status: criteria provided, multiple submitters, no conflicts (2 of 4 stars). 12 submissions from 12 submitters: Pathogenic (12). Last evaluated 2026-06-30.

Conditions:
PARK2-related disorders.
Young-onset Parkinson disease. Identifiers: Orphanet 2828, MedGen C4275179, MONDO:0017279.
PRKN-related disorder. Also called: PRKN-related condition.
Autosomal recessive juvenile Parkinson disease 2. Also called: Parkinson disease, juvenile, type 2; PARKINSON DISEASE, JUVENILE, AUTOSOMAL RECESSIVE; PRKN-Related Early-Onset Parkinson Disease; Parkinson disease autosomal recessive, early onset; Juvenile parkinsonism; Parkinsonism, early onset, with diurnal fluctuation. Identifiers: Orphanet 2828, MedGen C1868675, MONDO:0010820, OMIM 600116.

Allele frequency attached by ClinVar (database versions not stated): gnomAD exomes 0.00035 and 0.00023; TOPMed 0.00023; gnomAD 0.00027; ESP Exome Variant Server 0.00168; ExAC 0.00030.

Submissions (12):

PreventionGenetics, part of Exact Sciences
Classification: Pathogenic for PRKN-related condition. Last evaluated: 2026-06-30. Review status: criteria provided, single submitter. Criteria: ACMG Guidelines, 2015. Collection method: clinical testing. Allele origin: germline.
Comment: The PRKN c.101_102delAG variant is predicted to result in a frameshift and premature protein termination (p.Gln34Argfs*5). This variant has been reported in the homozygous state or in the pretense of a second PRKN variant in individuals with autosomal recessive early-onset Parkinsonism (Abbas et al. 1999. PubMed ID: 10072423, Figure 2; Gouider-Khouja et al. 2003. PubMed ID: 12781588; Pankratz et al. 2009. PubMed ID: 19636047, Table 2). This variant is reported in 0.048% of alleles in individuals of European (Finnish) descent in gnomAD. Frameshift variants in PRKN are expected to be pathogenic. This variant is interpreted as pathogenic.

Labcorp Genetics (formerly Invitae), Labcorp
Classification: Pathogenic. Last evaluated: 2025-12-29. Review status: criteria provided, single submitter. Criteria: Invitae Variant Classification Sherloc (09022015). Collection method: clinical testing. Allele origin: germline.
Comment: This sequence change creates a premature translational stop signal (p.Gln34Argfs*5) in the PRKN gene. It is expected to result in an absent or disrupted protein product. Loss-of-function variants in PRKN are known to be pathogenic (PMID: 10072423, 20301651, 22956510). This variant is present in population databases (rs55777503, gnomAD 0.04%). This premature translational stop signal has been observed in individuals with early-onset Parkinson disease (PMID: 10072423, 12781588, 19636047, 23986421, 25833766). It has also been observed to segregate with disease in related individuals. This variant is also known as 202-203delAG. ClinVar contains an entry for this variant (Variation ID: 425403). For these reasons, this variant has been classified as Pathogenic.

Victorian Clinical Genetics Services, Murdoch Childrens Research Institute
Classification: Pathogenic for Autosomal recessive juvenile Parkinson disease 2. Last evaluated: 2025-03-27. Review status: criteria provided, single submitter. Criteria: ACMG Guidelines, 2015. Collection method: clinical testing. Allele origin: germline. Affected: yes.
Comment: This variant is classified as Pathogenic. Evidence in support of pathogenic classification: Variant is predicted to cause nonsense-mediated decay (NMD) and loss of protein (premature termination codon is located at least 54 nucleotides upstream of the final exon-exon junction); Variant is present in gnomAD <0.01 for a recessive condition (v4: 543 heterozygote(s), 0 homozygote(s)); This variant has strong previous evidence of pathogenicity in unrelated individuals. Multiple affected individuals have been reported with this variant, typically compound heterozygous with a second pathogenic variant (ClinVar, PMID: 10072423, 11971093, 18785233, 30099245); Other NMD-predicted variants comparable to the one identified in this case have very strong previous evidence for pathogenicity. Multiple affected individuals have been reported with NMD-predicted variants in the ClinVar database and the literature (PMID:10824074). Additional information: This variant is heterozygous; This gene is associated with autosomal recessive disease; Loss of function is a known mechanism of disease in this gene and is associated with parkinson disease, juvenile, type 2 (MIM#600116); Inheritance information for this variant is not currently available in this individual.

Women's Health and Genetics/Laboratory Corporation of America, LabCorp
Classification: Pathogenic for Autosomal recessive juvenile Parkinson disease 2. Last evaluated: 2025-03-19. Review status: criteria provided, single submitter. Criteria: LabCorp Variant Classification Summary - May 2015. Collection method: clinical testing. Allele origin: germline.
Comment: Variant summary: PRKN c.101_102delAG (p.Gln34ArgfsX5) results in a premature termination codon, predicted to cause a truncation of the encoded protein or absence of the protein due to nonsense mediated decay, which are commonly known mechanisms for disease. The variant allele was found at a frequency of 0.00034 in 1613910 control chromosomes. This frequency is not significantly higher than estimated for a pathogenic variant in PRKN causing Autosomal Recessive Juvenile Parkinson Disease 2, allowing no conclusion about variant significance. c.101_102delAG has been reported in the literature in numerous individuals affected with Autosomal Recessive Juvenile Parkinson Disease 2 and has been shown to segregate with disease (example: Gouider-Khouja_2003). These data indicate that the variant is very likely to be associated with disease. To our knowledge, no experimental evidence demonstrating an impact on protein function has been reported. The following publication has been ascertained in the context of this evaluation (PMID: 12781588). ClinVar contains an entry for this variant (Variation ID: 425403). Based on the evidence outlined above, the variant was classified as pathogenic.

Blueprint Genetics
Classification: Pathogenic for PARK2-related disorders. Last evaluated: 2024-09-03. Review status: criteria provided, single submitter. Criteria: ACMG Guidelines, 2015. Collection method: clinical testing. Allele origin: germline. Affected: yes. Observed: 5 variant alleles.

Mayo Clinic Laboratories, Mayo Clinic
Classification: Pathogenic. Last evaluated: 2024-06-06. Review status: criteria provided, single submitter. Criteria: ACMG Guidelines, 2015. Collection method: clinical testing. Allele origin: germline. Observed: 4 variant alleles.
Comment: PM3, PS4_moderate, PVS1

CeGaT Center for Human Genetics Tuebingen
Classification: Pathogenic. Last evaluated: 2022-12-01. Review status: criteria provided, single submitter. Criteria: CeGaT Center For Human Genetics Tuebingen Variant Classification Criteria Version 2. Collection method: clinical testing. Allele origin: germline. Affected: yes. Observed: 3 variant alleles.
Comment: PRKN: PVS1, PM2, PM3, PP1

AiLife Diagnostics
Classification: Pathogenic. Last evaluated: 2022-03-28. Review status: criteria provided, single submitter. Criteria: ACMG Guidelines, 2015. Collection method: clinical testing. Allele origin: germline. Affected: yes. Observed: 1 variant allele.

GeneDx
Classification: Pathogenic. Last evaluated: 2022-01-20. Review status: criteria provided, single submitter. Criteria: GeneDx Variant Classification Process June 2021. Collection method: clinical testing. Allele origin: germline. Affected: yes.
Comment: Frameshift variant predicted to result in protein truncation or nonsense mediated decay in a gene for which loss-of-function is a known mechanism of disease; This variant is associated with the following publications: (PMID: 29910155, 19162522, 26556299, 27206984, 27776828, 12781588, 32970363, 33045815, 27807026, 30099245, 29606608, 10072423, 30537300, 31324919, 19636047, 33845304)

Fulgent Genetics
Classification: Pathogenic for Young-onset Parkinson disease. Last evaluated: 2021-05-03. Review status: criteria provided, single submitter. Criteria: ACMG Guidelines, 2015. Collection method: clinical testing. Allele origin: germline. Affected: yes.

CENTOGENE GmbH and LLC - Guiding Precision Medicine
Classification: Pathogenic for Autosomal recessive juvenile Parkinson disease 2. Last evaluated: 2021-02-03. Review status: criteria provided, single submitter. Criteria: ACMG Guidelines, 2015. Collection method: clinical testing. Allele origin: germline. Affected: yes.

Clinical Genetics Service, Universitary Hospital 12 de Octubre
Classification: Pathogenic for Autosomal recessive juvenile Parkinson disease 2. Review status: criteria provided, single submitter. Criteria: ACMG Guidelines, 2015. Collection method: clinical testing. Allele origin: maternal. Affected: yes.

Literature cited by the submitters: PubMed 10072423 (cited by 4 submitters); PubMed 20301651 (cited by Labcorp Genetics (formerly Invitae), Labcorp); PubMed 22956510 (cited by Labcorp Genetics (formerly Invitae), Labcorp); PubMed 12781588 (cited by 4 submitters); PubMed 19636047 (cited by 3 submitters); PubMed 23986421 (cited by Labcorp Genetics (formerly Invitae), Labcorp); PubMed 25833766 (cited by Labcorp Genetics (formerly Invitae), Labcorp); PubMed 30099245 (cited by Victorian Clinical Genetics Services, Murdoch Childrens Research Institute); PubMed 11971093 (cited by Victorian Clinical Genetics Services, Murdoch Childrens Research Institute); PubMed 10824074 (cited by Victorian Clinical Genetics Services, Murdoch Childrens Research Institute); PubMed 18785233 (cited by Victorian Clinical Genetics Services, Murdoch Childrens Research Institute); PubMed 19162522 (cited by Mayo Clinic Laboratories, Mayo Clinic and AiLife Diagnostics); PubMed 27206984 (cited by Mayo Clinic Laboratories, Mayo Clinic and AiLife Diagnostics); PubMed 30537300 (cited by Mayo Clinic Laboratories, Mayo Clinic and AiLife Diagnostics); PubMed 31324919 (cited by Mayo Clinic Laboratories, Mayo Clinic and AiLife Diagnostics); PubMed 32970363 (cited by Mayo Clinic Laboratories, Mayo Clinic and AiLife Diagnostics); PubMed 27776828 (cited by AiLife Diagnostics); PubMed 29606608 (cited by AiLife Diagnostics); PubMed 33045815 (cited by AiLife Diagnostics); PubMed 33845304 (cited by AiLife Diagnostics); PubMed 26556299 (cited by AiLife Diagnostics); PubMed 29910155 (cited by AiLife Diagnostics).

NM_004562.3(PRKN):c.101_102del (p.Gln34fs)

Gene: PRKN (parkin RBR E3 ubiquitin protein ligase; minus strand). Cytogenetic location: 6q26.
Variant type: Deletion.
Coding change: c.101_102del on transcript NM_004562.3 (MANE Select); coding-DNA positions 101 to 102, 2 bases deleted (AG; older notation c.101_102delAG).
Protein change: p.Gln34fs; shifts the reading frame from glutamine 34.
Molecular consequence: frameshift variant.
Genome position (GRCh38, 1-based): chr6:162,443,379-162,443,380, CT deleted on the plus strand (AG on the coding strand, the reverse complement: PRKN is on the minus strand). VCF-style (leftmost placement, unchanged base first): chr6-162443378-CCT-C. GRCh37 (hg19) VCF-style: chr6-162864410-CCT-C.
Other names: p.Gln34Argfs*5; c.101_102del, p.Gln34fs (NM_013987.3, NM_013988.3); c.101_102delAG (NM_004562.2, NM_004562.3); short protein forms Q34fs.
Identifiers: ClinVar variation 425403 (VCV000425403.68), dbSNP rs55777503, ClinGen allele CA4090512.